The following is an entry in ClinVar:

ClinVar aggregate classification (germline): Uncertain significance. Review status: criteria provided, multiple submitters, no conflicts (2 of 4 stars). 2 submissions from 2 submitters: Uncertain significance (2). Last evaluated 2025-06-19.

Conditions:
Inborn genetic diseases. Identifiers: MedGen C0950123, MeSH D030342.

gnomAD v4.1: 7 of 1,614,134 alleles (0.00043%); highest among the groups gnomAD compares: Non-Finnish European, 0.00059%; no homozygotes.

Submissions (2):

Ambry Genetics
Classification: Uncertain significance for Inborn genetic diseases. Last evaluated: 2025-06-19. Review status: criteria provided, single submitter. Criteria: Ambry Variant Classification Scheme 2023. Collection method: clinical testing. Allele origin: germline.

Labcorp Genetics (formerly Invitae), Labcorp
Classification: Uncertain significance. Last evaluated: 2024-08-14. Review status: criteria provided, single submitter. Criteria: Invitae Variant Classification Sherloc (09022015). Collection method: clinical testing. Allele origin: germline.
Comment: This sequence change replaces asparagine, which is neutral and polar, with aspartic acid, which is acidic and polar, at codon 1088 of the BNC2 protein (p.Asn1088Asp). This variant is present in population databases (rs749309637, gnomAD 0.003%). This variant has not been reported in the literature in individuals affected with BNC2-related conditions. An algorithm developed to predict the effect of missense changes on protein structure and function (PolyPhen-2) suggests that this variant is likely to be disruptive. In summary, the available evidence is currently insufficient to determine the role of this variant in disease. Therefore, it has been classified as a Variant of Uncertain Significance.

NM_017637.6(BNC2):c.3262A>G (p.Asn1088Asp)

Gene: BNC2 (basonuclin zinc finger protein 2; minus strand). Cytogenetic location: 9p22.3.
Variant type: single nucleotide variant.
Coding change: c.3262A>G on transcript NM_017637.6 (MANE Select); coding-DNA position 3262, A replaced by G.
Protein change: p.Asn1088Asp; replaces asparagine 1088 with aspartic acid.
Molecular consequence: missense variant. On other transcripts: 3 prime UTR variant (1).
Genome position (GRCh38, 1-based): chr9:16,419,027, T>C on the plus strand (A>G on the coding strand, the complement: BNC2 is on the minus strand). VCF-style: chr9-16419027-T-C. GRCh37 (hg19) VCF-style: chr9-16419025-T-C.
Other names: c.*606A>G (NM_001317939.2); c.2977A>G, p.Asn993Asp (NM_001317940.2); short protein forms N1088D, N993D.
Identifiers: ClinVar variation 3610426 (VCV003610426.3).